The following is an entry in ClinVar:

ClinVar aggregate classification (germline): Benign. Review status: criteria provided, multiple submitters, no conflicts (2 of 4 stars). 5 submissions from 5 submitters: Benign (5). Last evaluated 2026-02-04.

Conditions:
Dystonic disorder. Also called: Dystonia. Identifiers: MedGen C0013421, MONDO:0003441, HP:0001332.

Allele frequency attached by ClinVar (database versions not stated): gnomAD exomes 0.27732 and 0.28232; ExAC 0.29682; gnomAD 0.32585 and 0.32823; TOPMed 0.33627; 1000 Genomes Project 0.34804; 1000 Genomes Project 30x 0.34916; ESP Exome Variant Server 0.35130.
gnomAD v4.1: 416,094 of 1,470,730 alleles (28%); highest among the groups gnomAD compares: African/African-American, 49%; 61,896 homozygotes.

Submissions (5):

Labcorp Genetics (formerly Invitae), Labcorp
Classification: Benign for Dystonic disorder. Last evaluated: 2026-02-04. Review status: criteria provided, single submitter. Criteria: Invitae Variant Classification Sherloc (09022015). Collection method: clinical testing. Allele origin: germline.

Blueprint Genetics
Classification: Benign. Last evaluated: 2024-11-28. Review status: criteria provided, single submitter. Criteria: ACMG Guidelines, 2015. Collection method: clinical testing. Allele origin: germline.

Unidad de Genómica Garrahan, Hospital de Pediatría Garrahan
Classification: Benign. Last evaluated: 2024-07-31. Review status: criteria provided, single submitter. Criteria: ACMG Guidelines, 2015. Collection method: clinical testing. Allele origin: germline. Affected: no. Observed: 31 variant alleles.
Comment: This variant is classified as Benign based on local population frequency. This variant was detected in 33% of patients studied in a panel designed for Epileptic and Developmental Encephalopathy, Progressive Myoclonus Epilepsy and Abnormal Movements and Neurodegeneration with brain iron accumulation. Number of patients: 31. Only high quality variants are reported.

GeneDx
Classification: Benign. Last evaluated: 2018-07-05. Review status: criteria provided, single submitter. Criteria: GeneDx Variant Classification Process June 2021. Collection method: clinical testing. Allele origin: germline. Affected: yes.

Breakthrough Genomics
Classification: Benign. Review status: criteria provided, single submitter. Criteria: ACMG Guidelines, 2015. Collection method: not provided. Allele origin: germline. Inheritance: Autosomal dominant inheritance. Affected: yes.

NM_182978.4(GNAL):c.449+19C>A

Gene: GNAL (G protein subunit alpha L; plus strand). Cytogenetic location: 18p11.21.
Variant type: single nucleotide variant.
Coding change: c.449+19C>A on transcript NM_182978.4 (MANE Select); 19 bases into the intron after coding-DNA position 449, C replaced by A.
Molecular consequence: intron variant.
Genome position (GRCh38, 1-based): chr18:11,752,944, C>A. VCF-style: chr18-11752944-C-A. GRCh37 (hg19) VCF-style: chr18-11752943-C-A.
Other names: c.218+19C>A (NM_001261443.2, NM_001142339.3, NM_001369387.1).
Identifiers: ClinVar variation 1248029 (VCV001248029.14), dbSNP rs1895689, ClinGen allele CA8893879.